The following is an entry in ClinVar:

ClinVar aggregate classification (germline): Uncertain significance (1 of 4 stars; one submission).

Submission:

Labcorp Genetics (formerly Invitae), Labcorp
Classification: Uncertain significance. Last evaluated: 2020-06-28. Review status: criteria provided, single submitter. Criteria: Invitae Variant Classification Sherloc (09022015). Collection method: clinical testing. Allele origin: germline.
Comment: This sequence change replaces isoleucine with phenylalanine at codon 471 of the FH protein (p.Ile471Phe). The isoleucine residue is highly conserved and there is a small physicochemical difference between isoleucine and phenylalanine. This variant is not present in population databases (ExAC no frequency). This variant has not been reported in the literature in individuals with FH-related conditions. Algorithms developed to predict the effect of missense changes on protein structure and function are either unavailable or do not agree on the potential impact of this missense change (SIFT: "Deleterious"; PolyPhen-2: "Possibly Damaging"; Align-GVGD: "Class C0"). In summary, the available evidence is currently insufficient to determine the role of this variant in disease. Therefore, it has been classified as a Variant of Uncertain Significance.

NM_000143.4(FH):c.1411A>T (p.Ile471Phe)

Gene: FH (fumarate hydratase; minus strand). Cytogenetic location: 1q43.
Variant type: single nucleotide variant.
Coding change: c.1411A>T on transcript NM_000143.4 (MANE Select); coding-DNA position 1411, A replaced by T.
Protein change: p.Ile471Phe; replaces isoleucine 471 with phenylalanine.
Molecular consequence: missense variant.
Genome position (GRCh38, 1-based): chr1:241,497,950, T>A on the plus strand (A>T on the coding strand, the complement: FH is on the minus strand). VCF-style: chr1-241497950-T-A. GRCh37 (hg19) VCF-style: chr1-241661250-T-A.
Other names: short protein forms I471F.
Identifiers: ClinVar variation 1002494 (VCV001002494.9), dbSNP rs1659667519, ClinGen allele CA345450953.